The following is an entry in ClinVar:

ClinVar aggregate classification (germline): Uncertain significance. Review status: criteria provided, multiple submitters, no conflicts (2 of 4 stars). 3 submissions from 3 submitters: Uncertain significance (3). Last evaluated 2025-05-17.

Conditions:
ALG1-congenital disorder of glycosylation. Also called: CONGENITAL DISORDER OF GLYCOSYLATION, TYPE Ik; CDG Ik; ALG1-CDG. Identifiers: Orphanet 79327, MedGen C2931005, MONDO:0012052, OMIM 608540.
Inborn genetic diseases. Identifiers: MedGen C0950123, MeSH D030342.

Allele frequency attached by ClinVar (database versions not stated): gnomAD exomes 0.00001 and 0.00002; ExAC 0.00002.
gnomAD v4.1: 10 of 1,614,120 alleles (0.00062%); highest among the groups gnomAD compares: South Asian, 0.0044%; no homozygotes.

Submissions (3):

Ambry Genetics
Classification: Uncertain significance for Inborn genetic diseases. Last evaluated: 2025-05-17. Review status: criteria provided, single submitter. Criteria: Ambry Variant Classification Scheme 2023. Collection method: clinical testing. Allele origin: germline.

Fulgent Genetics
Classification: Uncertain significance for ALG1-congenital disorder of glycosylation. Last evaluated: 2022-04-22. Review status: criteria provided, single submitter. Criteria: ACMG Guidelines, 2015. Collection method: clinical testing. Allele origin: unknown.

Labcorp Genetics (formerly Invitae), Labcorp
Classification: Uncertain significance for ALG1-congenital disorder of glycosylation. Last evaluated: 2021-09-23. Review status: criteria provided, single submitter. Criteria: Invitae Variant Classification Sherloc (09022015). Collection method: clinical testing. Allele origin: germline.
Comment: This sequence change replaces glycine with alanine at codon 134 of the ALG1 protein (p.Gly134Ala). The glycine residue is highly conserved and there is a small physicochemical difference between glycine and alanine. This variant is present in population databases (rs763309062, ExAC 0.006%). This variant has not been reported in the literature in individuals affected with ALG1-related conditions. Advanced modeling of protein sequence and biophysical properties (such as structural, functional, and spatial information, amino acid conservation, physicochemical variation, residue mobility, and thermodynamic stability) performed at Invitae indicates that this missense variant is not expected to disrupt ALG1 protein function. In summary, the available evidence is currently insufficient to determine the role of this variant in disease. Therefore, it has been classified as a Variant of Uncertain Significance.

NM_019109.5(ALG1):c.401G>C (p.Gly134Ala)

Gene: ALG1 (ALG1 chitobiosyldiphosphodolichol beta-mannosyltransferase; plus strand). Cytogenetic location: 16p13.3.
Variant type: single nucleotide variant.
Coding change: c.401G>C on transcript NM_019109.5 (MANE Select); coding-DNA position 401, G replaced by C.
Protein change: p.Gly134Ala; replaces glycine 134 with alanine.
Molecular consequence: missense variant.
Genome position (GRCh38, 1-based): chr16:5,075,398, G>C. VCF-style: chr16-5075398-G-C. GRCh37 (hg19) VCF-style: chr16-5125399-G-C.
Other names: c.68G>C, p.Gly23Ala (NM_001330504.2); c.401G>C (NM_019109.4); short protein forms G23A, G134A.
Identifiers: ClinVar variation 1405610 (VCV001405610.5), dbSNP rs763309062, ClinGen allele CA7889829.
Genomic context (GRCh38, chr16:5,075,398, plus strand): 5'-TGCCTAGCATGGTCTGGGTTTCCTCCCCTTCAAGTCTCTATCTTTCCTAGAACCCCCCAG[G>C]TCTGCCTAGCATTGCTGTCTGCTGGTTCGTGGGCTGCCTTTGTGGAAGCAAGCTCGTCAT-3'
Protein context (NP_061982.3, residues 124-144): GAYIFLQNPP[Gly134Ala]LPSIAVCWFV